The following is an entry in ClinVar:

NM_002060.3(GJA4):c.121G>T (p.Gly41Cys)

Gene: GJA4 (gap junction protein alpha 4; plus strand). Cytogenetic location: 1p34.3.
Variant type: single nucleotide variant.
Coding change: c.121G>T on transcript NM_002060.3 (MANE Select); coding-DNA position 121, G replaced by T.
Protein change: p.Gly41Cys; replaces glycine 41 with cysteine.
Molecular consequence: missense variant.
Genome position (GRCh38, 1-based): chr1:34,794,334, G>T. VCF-style: chr1-34794334-G-T. GRCh37 (hg19) VCF-style: chr1-35259935-G-T.
Other names: short protein forms G41C.
Identifiers: ClinVar variation 996750 (VCV000996750.4), dbSNP rs1640240555, ClinGen allele CA339320883.
Genomic context (GRCh38, chr1:34,794,334, plus strand): 5'-GTGGGTAAGATCTGGCTGACGGTGCTCTTCATCTTCCGCATCCTCATCCTGGGCCTGGCC[G>T]GCGAGTCAGTGTGGGGTGACGAGCAATCAGATTTCGAGTGTAACACGGCCCAGCCAGGCT-3'
Protein context (NP_002051.2, residues 31-51): IFRILILGLA[Gly41Cys]ESVWGDEQSD

ClinVar aggregate classification (germline): Pathogenic. Review status: no assertion criteria provided (0 of 4 stars). 4 submissions from 2 submitters: Pathogenic (4). Last evaluated 2021-04-08.

Conditions:
Skin hemangioma. Identifiers: MedGen C0687140, MONDO:0003110.
Cutaneous venous malformation.
Hepatic hemangioma. Also called: Liver hemangioma. Identifiers: MedGen C0238246, MONDO:0002404, HP:0031207.

Submissions (4):

Yale Center for Mendelian Genomics, Yale University
Classification: Pathogenic for Hepatic hemangioma. Last evaluated: 2021-04-08. Review status: no assertion criteria provided. Collection method: literature only. Allele origin: somatic. Affected: yes. Observed: 12 heterozygotes. Study: Yale Center for Mendelian Genomics.

Yale Center for Mendelian Genomics, Yale University
Classification: Pathogenic for Skin hemangioma. Last evaluated: 2021-04-08. Review status: no assertion criteria provided. Collection method: literature only. Allele origin: somatic. Affected: yes. Observed: 3 heterozygotes. Study: Yale Center for Mendelian Genomics.

Keith Choate Laboratory, Yale University
Classification: Pathogenic for Hepatic hemangioma. Last evaluated: 2020-12-24. Review status: no assertion criteria provided. Collection method: research. Allele origin: somatic. Inheritance: Somatic mutation. Affected: yes. Observed: 12 variant alleles.
Comment: The Gly41Cys variant in Cx37 was identified in hepatic hemangioma tissue from 12 unrelated patients. This variant was absent in normal liver tissue from the same respective individuals and was absent from 251,000 sequenced alleles in the gnomAD database. Further, in vitro functional studies demonstrate that the Gly41Cys variant leads to activation of SGK1, a serine/threonine kinase, via serine 78 phosphorylation.

Keith Choate Laboratory, Yale University
Classification: Pathogenic for Cutaneous venous malformation. Last evaluated: 2020-12-24. Review status: no assertion criteria provided. Collection method: research. Allele origin: somatic. Inheritance: Somatic mutation. Affected: yes. Observed: 3 variant alleles.
Comment: The Gly41Cys variant in Cx37 was identified in cutaneous venous malformations in 3 unrelated individuals. This variant was absent in normal tissue from the same respective individuals and was absent from 251,000 sequenced alleles in the gnomAD database. Further, in vitro functional studies demonstrate that the Gly41Cys variant leads to activation of SGK1, a serine/threonine kinase, via serine 78 phosphorylation.

Literature cited by the submitters: PubMed 33912852 (cited by Yale Center for Mendelian Genomics, Yale University).